The following is an entry in ClinVar:

ClinVar aggregate classification (germline): Uncertain significance (1 of 4 stars; one submission).

Conditions:
Inflammatory skin and bowel disease, neonatal, 1. Identifiers: Orphanet 294023, MedGen C3280501, MONDO:0013693, OMIM 614328.

Allele frequency attached by ClinVar (database versions not stated): gnomAD exomes below 0.00001 and 0.00001; ExAC 0.00001.
gnomAD v4.1: 3 of 1,575,868 alleles (0.00019%); highest among the groups gnomAD compares: Non-Finnish European, 0.00026%; no homozygotes.

Submission:

Labcorp Genetics (formerly Invitae), Labcorp
Classification: Uncertain significance for Inflammatory skin and bowel disease, neonatal, 1. Last evaluated: 2022-01-14. Review status: criteria provided, single submitter. Criteria: Invitae Variant Classification Sherloc (09022015). Collection method: clinical testing. Allele origin: germline.
Comment: This sequence change falls in intron 2 of the ADAM17 gene. It does not directly change the encoded amino acid sequence of the ADAM17 protein. It affects a nucleotide within the consensus splice site. This variant is present in population databases (rs755484483, gnomAD 0.001%). This variant has not been reported in the literature in individuals affected with ADAM17-related conditions. ClinVar contains an entry for this variant (Variation ID: 1062454). Variants that disrupt the consensus splice site are a relatively common cause of aberrant splicing (PMID: 17576681, 9536098). Algorithms developed to predict the effect of sequence changes on RNA splicing suggest that this variant may disrupt the consensus splice site. In summary, the available evidence is currently insufficient to determine the role of this variant in disease. Therefore, it has been classified as a Variant of Uncertain Significance.

Literature cited by the submitters: PubMed 17576681; PubMed 9536098.

NM_003183.6(ADAM17):c.230+4A>G

Gene: ADAM17 (ADAM metallopeptidase domain 17; minus strand). Cytogenetic location: 2p25.1.
Variant type: single nucleotide variant.
Coding change: c.230+4A>G on transcript NM_003183.6 (MANE Select); 4 bases into the intron after coding-DNA position 230, A replaced by G.
Molecular consequence: intron variant.
Genome position (GRCh38, 1-based): chr2:9,543,149, T>C on the plus strand (A>G on the coding strand, the complement: ADAM17 is on the minus strand). VCF-style: chr2-9543149-T-C. GRCh37 (hg19) VCF-style: chr2-9683278-T-C.
Other names: c.-451+4A>G (NM_001382777.1); c.-693+4A>G (NM_001382778.1).
Identifiers: ClinVar variation 1062454 (VCV001062454.4), dbSNP rs755484483, ClinGen allele CA1523838.